The following is an entry in ClinVar:

ClinVar aggregate classification (germline): Pathogenic (1 of 4 stars; one submission).

Conditions:
Hereditary cancer-predisposing syndrome. Also called: Tumor predisposition; Neoplastic Syndromes, Hereditary; Hereditary neoplastic syndrome; Hereditary Cancer Syndrome. Identifiers: Orphanet 140162, MedGen C0027672, MeSH D009386, MONDO:0015356.

Submission:

Ambry Genetics
Classification: Pathogenic for Hereditary cancer-predisposing syndrome. Last evaluated: 2024-11-15. Review status: criteria provided, single submitter. Criteria: Ambry Variant Classification Scheme 2023. Collection method: clinical testing. Allele origin: germline.
Comment: The c.2693delT pathogenic mutation, located in coding exon 17 of the ATM gene, results from a deletion of one nucleotide at nucleotide position 2693, causing a translational frameshift with a predicted alternate stop codon (p.L898*). This variant is considered to be rare based on population cohorts in the Genome Aggregation Database (gnomAD). This alteration is expected to result in loss of function by premature protein truncation or nonsense-mediated mRNA decay. As such, this alteration is interpreted as a disease-causing mutation.

NM_000051.4(ATM):c.2693del (p.Phe897_Leu898insTer)

Gene: ATM (ATM serine/threonine kinase; plus strand). Cytogenetic location: 11q22.3.
Variant type: Deletion.
Coding change: c.2693del on transcript NM_000051.4 (MANE Select); coding-DNA position 2693, one base deleted (T; older notation c.2693delT).
Protein change: p.Phe897_Leu898insTer.
Molecular consequence: nonsense.
Genome position (GRCh38, 1-based): chr11:108,268,464, T deleted; the last of 2 consecutive T bases (chr11:108,268,463-108,268,464); deleting either gives the same sequence. VCF-style (leftmost placement, unchanged base first): chr11-108268462-CT-C. GRCh37 (hg19) VCF-style: chr11-108139189-CT-C.
Other names: c.2693del, p.Phe897_Leu898insTer (NM_001351834.2).
Identifiers: ClinVar variation 3452337 (VCV003452337.1).
Genomic context (GRCh38, chr11:108,268,462, plus strand): 5'-ATTTTTAGGTGCCATTAATCCTTTAGCTGAAGAATATCTGTCAAAGCAAGATCTACTTTT[CT>C]TAGACATGCTCAAGTTCTTGTGTTTGTGTGTAACTACTGCTCAGACCAATACTGTGTCCT-3'